The following is an entry in ClinVar:

ClinVar aggregate classification (germline): Uncertain significance (1 of 4 stars; one submission).

Submission:

GeneDx
Classification: Uncertain significance. Last evaluated: 2025-04-01. Review status: criteria provided, single submitter. Criteria: GeneDx Variant Classification Process June 2021. Collection method: clinical testing. Allele origin: germline. Affected: yes.
Comment: Not observed at significant frequency in large population cohorts (gnomAD); In silico analysis indicates that this missense variant does not alter protein structure/function; Has not been previously published as pathogenic or benign to our knowledge

NM_021956.5(GRIK2):c.97A>G (p.Thr33Ala)

Gene: GRIK2 (glutamate ionotropic receptor kainate type subunit 2; plus strand). Cytogenetic location: 6q16.3.
Variant type: single nucleotide variant.
Coding change: c.97A>G on transcript NM_021956.5 (MANE Select); coding-DNA position 97, A replaced by G.
Protein change: p.Thr33Ala; replaces threonine 33 with alanine.
Molecular consequence: missense variant.
Genome position (GRCh38, 1-based): chr6:101,399,374, A>G. VCF-style: chr6-101399374-A-G. GRCh37 (hg19) VCF-style: chr6-101847250-A-G.
Other names: c.97A>G, p.Thr33Ala (NM_001166247.1, NM_175768.3); short protein forms T33A.
Identifiers: ClinVar variation 4278706 (VCV004278706.1).